The following is an entry in ClinVar:

ClinVar aggregate classification (germline): Likely pathogenic (1 of 4 stars; one submission).

Conditions:
X-linked agammaglobulinemia with growth hormone deficiency (IGHD3). Also called: FLEISHER SYNDROME; HYPOGAMMAGLOBULINEMIA AND ISOLATED GROWTH HORMONE DEFICIENCY, X-LINKED; IGHD III; ISOLATED GROWTH HORMONE DEFICIENCY, TYPE III, WITH AGAMMAGLOBULINEMIA; AGAMMAGLOBULINEMIA AND ISOLATED GROWTH HORMONE DEFICIENCY, X-LINKED; Isolated growth hormone deficiency type 3. Identifiers: Orphanet 231692, Orphanet 631, MedGen C0472813, MONDO:0010615, OMIM 307200.

Submission:

Labcorp Genetics (formerly Invitae), Labcorp
Classification: Likely pathogenic for X-linked agammaglobulinemia with growth hormone deficiency. Last evaluated: 2022-07-26. Review status: criteria provided, single submitter. Criteria: Invitae Variant Classification Sherloc (09022015). Collection method: clinical testing. Allele origin: germline.
Comment: This variant has been observed in individuals with clinical features of X-linked agammaglobulinemia (XLA) (PMID: 18677443; Invitae). In summary, the currently available evidence indicates that the variant is pathogenic, but additional data are needed to prove that conclusively. Therefore, this variant has been classified as Likely Pathogenic. Variants that disrupt the consensus splice site are a relatively common cause of aberrant splicing (PMID: 17576681, 9536098). Algorithms developed to predict the effect of sequence changes on RNA splicing suggest that this variant may disrupt the consensus splice site. This variant disrupts the c.974+5G nucleotide in the BTK gene. Other variant(s) that disrupt this nucleotide have been observed in individuals with BTK-related conditions (PMID: 15661032), which suggests that this may be a clinically significant nucleotide. ClinVar contains an entry for this variant (Variation ID: 1507314). This variant is also known as g.IVS11+5g>c. This variant is not present in population databases (gnomAD no frequency). This sequence change falls in intron 11 of the BTK gene. It does not directly change the encoded amino acid sequence of the BTK protein. It affects a nucleotide within the consensus splice site.

Literature cited by the submitters: PubMed 18677443; PubMed 17576681; PubMed 9536098; PubMed 15661032.

NM_000061.3(BTK):c.974+5G>C

Gene: BTK (Bruton tyrosine kinase; minus strand). Cytogenetic location: Xq22.1.
Variant type: single nucleotide variant.
Coding change: c.974+5G>C on transcript NM_000061.3 (MANE Select); 5 bases into the intron after coding-DNA position 974, G replaced by C.
Molecular consequence: intron variant.
Genome position (GRCh38, 1-based): chrX:101,358,612, C>G on the plus strand (G>C on the coding strand, the complement: BTK is on the minus strand). VCF-style: chrX-101358612-C-G. GRCh37 (hg19) VCF-style: chrX-100613600-C-G.
Other names: c.1076+5G>C (NM_001287344.2); c.974+5G>C (NM_001287345.2).
Identifiers: ClinVar variation 1507314 (VCV001507314.6), dbSNP rs2147430161, ClinGen allele CA2573159075.
Genomic context (GRCh38, chrX:101,358,612, plus strand): 5'-TCAAGGAGCTATTAGGAGGGTACCCCTGTTCTTTGTCCTCAGGGCCTTGGAATAGTAGCA[C>G]TCACCCTGTGGATTTAGCAAACACAGACACTGTATATTTGCCAGCTTTGCTGGAGTCTCT-3'